The following is an entry in ClinVar:

ClinVar aggregate classification (germline): Uncertain significance. Review status: criteria provided, multiple submitters, no conflicts (2 of 4 stars). 2 submissions from 2 submitters: Uncertain significance (2). Last evaluated 2024-11-11.

Submissions (2):

Labcorp Genetics (formerly Invitae), Labcorp
Classification: Uncertain significance. Last evaluated: 2024-11-11. Review status: criteria provided, single submitter. Criteria: Invitae Variant Classification Sherloc (09022015). Collection method: clinical testing. Allele origin: germline.
Comment: This sequence change replaces lysine, which is basic and polar, with glutamic acid, which is acidic and polar, at codon 1185 of the NPAT protein (p.Lys1185Glu). This variant is not present in population databases (gnomAD no frequency). This variant has not been reported in the literature in individuals affected with NPAT-related conditions. ClinVar contains an entry for this variant (Variation ID: 2453791). An algorithm developed to predict the effect of missense changes on protein structure and function (PolyPhen-2) suggests that this variant is likely to be disruptive. In summary, the available evidence is currently insufficient to determine the role of this variant in disease. Therefore, it has been classified as a Variant of Uncertain Significance.

Ambry Genetics
Classification: Uncertain significance. Last evaluated: 2023-02-09. Review status: criteria provided, single submitter. Criteria: Ambry Variant Classification Scheme 2023. Collection method: clinical testing. Allele origin: germline.
Comment: The p.K1185E variant (also known as c.3553A>G), located in coding exon 17 of the NPAT gene, results from an A to G substitution at nucleotide position 3553. The lysine at codon 1185 is replaced by glutamic acid, an amino acid with similar properties. This amino acid position is conserved. In addition, this alteration is predicted to be tolerated by in silico analysis. Since supporting evidence is limited at this time, the clinical significance of this alteration remains unclear.

NM_002519.3(NPAT):c.3553A>G (p.Lys1185Glu)

Gene: NPAT (nuclear protein, coactivator of histone transcription; minus strand). Cytogenetic location: 11q22.3.
Variant type: single nucleotide variant.
Coding change: c.3553A>G on transcript NM_002519.3 (MANE Select); coding-DNA position 3553, A replaced by G.
Protein change: p.Lys1185Glu; replaces lysine 1185 with glutamic acid.
Molecular consequence: missense variant.
Genome position (GRCh38, 1-based): chr11:108,161,533, T>C on the plus strand (A>G on the coding strand, the complement: NPAT is on the minus strand). VCF-style: chr11-108161533-T-C. GRCh37 (hg19) VCF-style: chr11-108032260-T-C.
Other names: c.3574A>G, p.Lys1192Glu (NM_001321307.1); short protein forms K1192E, K1185E.
Identifiers: ClinVar variation 2453791 (VCV002453791.4), dbSNP rs2077849506, ClinGen allele CA382510549.
Genomic context (GRCh38, chr11:108,161,533, plus strand): 5'-GCAGTGAAGCTATAGATTTCTCACTTCGCAAACCCCCATTTTGCTGCCCAATAGATAGTT[T>C]TGAATTTTCTGGATTTTTCTGTCTTTCTACATCGCTGCATAATTCATTCTCCTTATTAGC-3'
Protein context (NP_002510.2, residues 1175-1195): VERQKNPENS[Lys1185Glu]LSIGQQNGGL